The following is an entry in ClinVar:

ClinVar aggregate classification (germline): Pathogenic/Likely pathogenic. Review status: criteria provided, multiple submitters, no conflicts (2 of 4 stars). 5 submissions from 5 submitters: Pathogenic (2); Likely pathogenic (3). Last evaluated 2025-09-19.

Conditions:
Marfan syndrome (MFS). Also called: Marfan syndrome, classic; FBN1-Related Marfan Syndrome; Marfan syndrome type 1; Marfan's syndrome; MARFAN SYNDROME, TYPE I. Identifiers: Orphanet 284963, Orphanet 558, MedGen C0024796, MONDO:0007947, OMIM 154700.
Familial thoracic aortic aneurysm and aortic dissection (TAAD). Also called: Thoracic aortic aneurysms and dissections. Identifiers: Orphanet 91387, MedGen C4707243, MONDO:0019625.

Submissions (5):

Ambry Genetics
Classification: Likely pathogenic for Familial thoracic aortic aneurysm and aortic dissection. Last evaluated: 2025-09-19. Review status: criteria provided, single submitter. Criteria: Ambry Variant Classification Scheme 2023. Collection method: clinical testing. Allele origin: germline.
Comment: The p.D1199G variant (also known as c.3596A>G), located in coding exon 29 of the FBN1 gene, results from an A to G substitution at nucleotide position 3596. The aspartic acid at codon 1199 is replaced by glycine, an amino acid with similar properties. This variant was reported in individual(s) with features consistent with Marfan syndrome (Proost D et al. Hum Mutat, 2015 Aug;36:808-14; Somers AE et al. Am J Med Genet A, 2016 Jul;170:1786-90; MacKintosh EW et al. Pediatr Cardiol, 2021 Mar;42:510-516; Ambry internal data). This variant alters a conserved residue in the calcium-binding consensus sequence of a cbEGF domain and is expected to disrupt FBN1 function (Handford PA et al. Nature. 1991; 351(6322):164-7.) This amino acid position is highly conserved in available vertebrate species. In addition, this alteration is predicted to be deleterious by in silico analysis. This variant is considered to be rare based on population cohorts in the Genome Aggregation Database (gnomAD). Based on the majority of available evidence to date, this variant is likely to be pathogenic.

Labcorp Genetics (formerly Invitae), Labcorp
Classification: Pathogenic for Marfan syndrome; Familial thoracic aortic aneurysm and aortic dissection. Last evaluated: 2025-09-02. Review status: criteria provided, single submitter. Criteria: Invitae Variant Classification Sherloc (09022015). Collection method: clinical testing. Allele origin: germline.
Comment: This sequence change replaces aspartic acid, which is acidic and polar, with glycine, which is neutral and non-polar, at codon 1199 of the FBN1 protein (p.Asp1199Gly). This variant is not present in population databases (gnomAD no frequency). This missense change has been observed in individuals with Marfan syndrome (PMID: 25907466, 27112580; internal data). ClinVar contains an entry for this variant (Variation ID: 200020). Invitae Evidence Modeling of protein sequence and biophysical properties (such as structural, functional, and spatial information, amino acid conservation, physicochemical variation, residue mobility, and thermodynamic stability) indicates that this missense variant is expected to disrupt FBN1 protein function with a positive predictive value of 95%. This variant disrupts the p.Asp1199 amino acid residue in FBN1. Other variant(s) that disrupt this residue have been observed in individuals with FBN1-related conditions (PMID: 22772377), which suggests that this may be a clinically significant amino acid residue. For these reasons, this variant has been classified as Pathogenic.

3billion
Classification: Pathogenic for Marfan syndrome. Last evaluated: 2024-01-30. Review status: criteria provided, single submitter. Criteria: ACMG Guidelines, 2015. Collection method: clinical testing. Allele origin: germline. Affected: yes.
Comment: The variant is not observed in the gnomAD v2.1.1 dataset. Predicted Consequence/Location: Missense variant In silico tool predictions suggest damaging effect of the variant on gene or gene product [REVEL: 0.82 (>=0.6, sensitivity 0.68 and specificity 0.92); 3Cnet: 0.99 (>=0.6, sensitivity 0.72 and precision 0.9)]. Same nucleotide change resulting in same amino acid change has been previously reported as pathogenic/likely pathogenic with strong evidence (ClinVar ID: VCV000200020 /PMID: 25907466). The variant has been observed in at least two similarly affected unrelated individuals (PMID: 25907466, 27112580). A different missense change at the same codon (p.Asp1199Ala) has been reported to be associated with FBN1 related disorder (PMID: 22772377). Therefore, this variant is classified as Pathogenic according to the recommendation of ACMG/AMP guideline.

Centre of Medical Genetics, University of Antwerp
Classification: Likely pathogenic for Marfan syndrome. Last evaluated: 2021-03-01. Review status: criteria provided, single submitter. Criteria: Submitter's publication. Collection method: research. Allele origin: unknown. Affected: yes.
Comment: PM2, PS6, PP4

GeneDx
Classification: Likely pathogenic. Last evaluated: 2017-01-03. Review status: criteria provided, single submitter. Criteria: GeneDx Variant Classification (06012015). Collection method: clinical testing. Allele origin: germline. Affected: yes.
Comment: The D1199G likely pathogenic variant in the FBN1 gene has been previously reported in at least two individuals who both fulfilled Ghent diagnostic criteria for Marfan syndrome (Proost et al., 2015; Somers et al., 2016); however, further clinical details or segregation studies studies were not reported. The D1199G variant was not observed in approximately 6,500 individuals of European and African American ancestry in the NHLBI Exome Sequencing Project, indicating it is not a common benign variant in these populations. The D1199G variant is a non-conservative amino acid substitution, which is likely to impact secondary protein structure as these residues differ in polarity, charge, size and/or other properties. Furthermore, this substitution occurs at a position that is conserved across species and in silico analysis predicts this variant is probably damaging to the protein structure/function. Additionally, D1199G occurs at a site within a calcium-binding EGF-like domain of fibrillin-1 that is predicted to play a role in calcium-binding. Substitution of a calcium-binding residue within a calcium-binding EGF-like domain of fibrillin-1 is recognized as a mutational mechanism for Marfan syndrome (Loeys et al., 2010). Moreover, a likely pathogenic missense variant at the same residue (D1199A) has been reported in the Human Gene Mutation Database in association with Marfan syndrome (Stenson et al., 2014), supporting the functional importance of this residue.Therefore, this variant is likely pathogenic

Literature cited by the submitters: PubMed 25907466 (cited by 3 submitters); PubMed 27112580 (cited by 3 submitters); PubMed 33394117 (cited by Ambry Genetics); PubMed 22772377 (cited by Labcorp Genetics (formerly Invitae), Labcorp and 3billion).

NM_000138.5(FBN1):c.3596A>G (p.Asp1199Gly)

Gene: FBN1 (fibrillin 1; minus strand). Cytogenetic location: 15q21.1.
Variant type: single nucleotide variant.
Coding change: c.3596A>G on transcript NM_000138.5 (MANE Select); coding-DNA position 3596, A replaced by G.
Protein change: p.Asp1199Gly; replaces aspartic acid 1199 with glycine.
Molecular consequence: missense variant.
Genome position (GRCh38, 1-based): chr15:48,485,490, T>C on the plus strand (A>G on the coding strand, the complement: FBN1 is on the minus strand). VCF-style: chr15-48485490-T-C. GRCh37 (hg19) VCF-style: chr15-48777687-T-C.
Other names: p.D1199G:GAT>GGT; short protein forms D1199G.
Identifiers: ClinVar variation 200020 (VCV000200020.28), dbSNP rs794728206, ClinGen allele CA014349.